The following is an entry in ClinVar:

NM_002936.6(RNASEH1):c.273G>A (p.Ser91=)

Gene: RNASEH1 (ribonuclease H1; minus strand). Cytogenetic location: 2p25.3.
Variant type: single nucleotide variant.
Coding change: c.273G>A on transcript NM_002936.6 (MANE Select); coding-DNA position 273, G replaced by A.
Protein change: p.Ser91=; no amino-acid change (serine 91 retained).
Molecular consequence: synonymous variant. On other transcripts: non-coding transcript variant (7), 5 prime UTR variant (1).
Genome position (GRCh38, 1-based): chr2:3,552,280, C>T on the plus strand (G>A on the coding strand, the complement: RNASEH1 is on the minus strand). VCF-style: chr2-3552280-C-T. GRCh37 (hg19) VCF-style: chr2-3599870-C-T.
Other names: c.195G>A, p.Ser65= (NM_001286834.3); c.-79G>A (NM_001286837.3); c.273G>A, p.Ser91= (NM_001378271.1, NM_001378272.1, NM_001378273.1).
Identifiers: ClinVar variation 2650635 (VCV002650635.25), dbSNP rs759920749, ClinGen allele CA1516347.

ClinVar aggregate classification (germline): Likely benign. Review status: criteria provided, multiple submitters, no conflicts (2 of 4 stars). 2 submissions from 2 submitters: Likely benign (2). Last evaluated 2025-06-22.

Allele frequency attached by ClinVar (database versions not stated): gnomAD exomes 0.00001; ExAC 0.00002; TOPMed 0.00003; gnomAD 0.00005.
gnomAD v4.1: 26 of 1,613,868 alleles (0.0016%); highest among the groups gnomAD compares: Admixed American, 0.025%; no homozygotes.

Submissions (2):

Labcorp Genetics (formerly Invitae), Labcorp
Classification: Likely benign. Last evaluated: 2025-06-22. Review status: criteria provided, single submitter. Criteria: Invitae Variant Classification Sherloc (09022015). Collection method: clinical testing. Allele origin: germline.

CeGaT Center for Human Genetics Tuebingen
Classification: Likely benign. Last evaluated: 2023-01-01. Review status: criteria provided, single submitter. Criteria: CeGaT Center For Human Genetics Tuebingen Variant Classification Criteria Version 2. Collection method: clinical testing. Allele origin: germline. Affected: yes. Observed: 1 variant allele.
Comment: RNASEH1: BP4, BP7